The following is an entry in ClinVar:

ClinVar aggregate classification (germline): Uncertain significance (1 of 4 stars; one submission).

Conditions:
FG syndrome (FGS). Identifiers: MedGen C0220769, MONDO:0002010.

Allele frequency attached by ClinVar (database versions not stated): 1000 Genomes Project 30x 0.00021.
gnomAD v4.1: 1 of 1,209,649 alleles (0.000083%); highest among the groups gnomAD compares: Admixed American, 0.0022%; no homozygotes.

Submission:

Labcorp Genetics (formerly Invitae), Labcorp
Classification: Uncertain significance for FG syndrome. Last evaluated: 2024-10-16. Review status: criteria provided, single submitter. Criteria: Invitae Variant Classification Sherloc (09022015). Collection method: clinical testing. Allele origin: germline.
Comment: This sequence change replaces glycine, which is neutral and non-polar, with glutamic acid, which is acidic and polar, at codon 2007 of the MED12 protein (p.Gly2007Glu). This variant is not present in population databases (gnomAD no frequency). This variant has not been reported in the literature in individuals affected with MED12-related conditions. ClinVar contains an entry for this variant (Variation ID: 1492936). Invitae Evidence Modeling of protein sequence and biophysical properties (such as structural, functional, and spatial information, amino acid conservation, physicochemical variation, residue mobility, and thermodynamic stability) indicates that this missense variant is not expected to disrupt MED12 protein function with a negative predictive value of 95%. In summary, the available evidence is currently insufficient to determine the role of this variant in disease. Therefore, it has been classified as a Variant of Uncertain Significance.

NM_005120.3(MED12):c.6020G>A (p.Gly2007Glu)

Gene: MED12 (mediator complex subunit 12; plus strand). Cytogenetic location: Xq13.1.
Variant type: single nucleotide variant.
Coding change: c.6020G>A on transcript NM_005120.3 (MANE Select); coding-DNA position 6020, G replaced by A.
Protein change: p.Gly2007Glu; replaces glycine 2007 with glutamic acid.
Molecular consequence: missense variant.
Genome position (GRCh38, 1-based): chrX:71,137,919, G>A. VCF-style: chrX-71137919-G-A. GRCh37 (hg19) VCF-style: chrX-70357769-G-A.
Other names: short protein forms G2007E.
Identifiers: ClinVar variation 1492936 (VCV001492936.6), dbSNP rs2147831227, ClinGen allele CA413539579.